The following is an entry in ClinVar:

NM_000844.4(GRM7):c.1958C>T (p.Ala653Val)

Gene: GRM7 (glutamate metabotropic receptor 7; plus strand). Cytogenetic location: 3p26.1.
Variant type: single nucleotide variant.
Coding change: c.1958C>T on transcript NM_000844.4 (MANE Select); coding-DNA position 1958, C replaced by T.
Protein change: p.Ala653Val; replaces alanine 653 with valine.
Molecular consequence: missense variant.
Genome position (GRCh38, 1-based): chr3:7,578,864, C>T. VCF-style: chr3-7578864-C-T. GRCh37 (hg19) VCF-style: chr3-7620551-C-T.
Other names: c.1958C>T, p.Ala653Val (NM_181874.3); short protein forms A653V.
Identifiers: ClinVar variation 1993144 (VCV001993144.4), dbSNP rs771127444, ClinGen allele CA351799908.

ClinVar aggregate classification (germline): Uncertain significance (1 of 4 stars; one submission).

Submission:

Labcorp Genetics (formerly Invitae), Labcorp
Classification: Uncertain significance. Last evaluated: 2022-10-10. Review status: criteria provided, single submitter. Criteria: Invitae Variant Classification Sherloc (09022015). Collection method: clinical testing. Allele origin: germline.
Comment: This sequence change replaces alanine, which is neutral and non-polar, with valine, which is neutral and non-polar, at codon 653 of the GRM7 protein (p.Ala653Val). In summary, the available evidence is currently insufficient to determine the role of this variant in disease. Therefore, it has been classified as a Variant of Uncertain Significance. Advanced modeling of protein sequence and biophysical properties (such as structural, functional, and spatial information, amino acid conservation, physicochemical variation, residue mobility, and thermodynamic stability) performed at Invitae indicates that this missense variant is not expected to disrupt GRM7 protein function. This variant has not been reported in the literature in individuals affected with GRM7-related conditions. This variant is not present in population databases (gnomAD no frequency).